The following is an entry in ClinVar:

NM_005157.6(ABL1):c.3002C>T (p.Ala1001Val)

Gene: ABL1 (ABL proto-oncogene 1, non-receptor tyrosine kinase; plus strand). Cytogenetic location: 9q34.12.
Variant type: single nucleotide variant.
Coding change: c.3002C>T on transcript NM_005157.6 (MANE Select); coding-DNA position 3002, C replaced by T.
Protein change: p.Ala1001Val; replaces alanine 1001 with valine.
Molecular consequence: missense variant.
Genome position (GRCh38, 1-based): chr9:130,885,292, C>T. VCF-style: chr9-130885292-C-T. GRCh37 (hg19) VCF-style: chr9-133760679-C-T.
Other names: c.3059C>T, p.Ala1020Val (NM_007313.3); short protein forms A1001V, A1020V.
Identifiers: ClinVar variation 1318667 (VCV001318667.3), dbSNP rs1320012629, ClinGen allele CA375260892.

ClinVar aggregate classification (germline): Uncertain significance. Review status: criteria provided, multiple submitters, no conflicts (2 of 4 stars). 2 submissions from 2 submitters: Uncertain significance (2). Last evaluated 2023-01-25.

Conditions:
ABL1-related disorder. Also called: ABL1-related condition.

Allele frequency attached by ClinVar (database versions not stated): TOPMed below 0.00001; gnomAD 0.00001.
gnomAD v4.1: 4 of 1,613,724 alleles (0.00025%); highest among the groups gnomAD compares: Admixed American, 0.0067%; no homozygotes.

Submissions (2):

PreventionGenetics, part of Exact Sciences
Classification: Uncertain significance for ABL1-related condition. Last evaluated: 2023-01-25. Review status: criteria provided, single submitter. Criteria: ACMG Guidelines, 2015. Collection method: clinical testing. Allele origin: germline.
Comment: The ABL1 c.3059C>T variant is predicted to result in the amino acid substitution p.Ala1020Val. To our knowledge, this variant has not been reported in the literature or in a large population database, indicating this variant is rare. At this time, the clinical significance of this variant is uncertain due to the absence of conclusive functional and genetic evidence.

GeneDx
Classification: Uncertain significance. Last evaluated: 2019-08-26. Review status: criteria provided, single submitter. Criteria: GeneDx Variant Classification Process June 2021. Collection method: clinical testing. Allele origin: germline. Affected: yes.
Comment: Not observed in large population cohorts (Lek et al., 2016); In silico analysis, which includes protein predictors and evolutionary conservation, supports that this variant does not alter protein structure/function; Has not been previously published as pathogenic or benign to our knowledge